The following is an entry in ClinVar:

ClinVar aggregate classification (germline): Pathogenic/Likely pathogenic. Review status: criteria provided, multiple submitters, no conflicts (2 of 4 stars). 5 submissions from 5 submitters: Pathogenic (4); Likely pathogenic (1). Last evaluated 2025-02-10.

Conditions:
Achromatopsia. Also called: Rod monochromatism. Identifiers: Orphanet 49382, MedGen C0152200, MONDO:0018852, HP:0011516.
Achromatopsia 3 (ACHM3). Also called: PINGELAPESE BLINDNESS; TOTAL COLORBLINDNESS WITH MYOPIA; ROD MONOCHROMACY 1; ROD MONOCHROMATISM 1; ACHROMATOPSIA WITH MYOPIA. Identifiers: Orphanet 49382, MedGen C1849792, MONDO:0009875, OMIM 262300.

Allele frequency attached by ClinVar (database versions not stated): gnomAD exomes below 0.00001; TOPMed below 0.00001; gnomAD 0.00001.

Submissions (5):

Women's Health and Genetics/Laboratory Corporation of America, LabCorp
Classification: Pathogenic for Achromatopsia 3. Last evaluated: 2025-02-10. Review status: criteria provided, single submitter. Criteria: LabCorp Variant Classification Summary - May 2015. Collection method: clinical testing. Allele origin: germline.
Comment: Variant summary: CNGB3 c.1167_1168insC (p.Glu390ArgfsX30) results in a premature termination codon, predicted to cause a truncation of the encoded protein or absence of the protein due to nonsense mediated decay, which are commonly known mechanisms for disease. The variant was absent in 250428 control chromosomes. c.1167_1168insC has been reported in the literature in at least one compound heterozygous individual affected with achromatopsia (e.g., Maggi_2021). To our knowledge, no experimental evidence demonstrating an impact on protein function has been reported. The following publication has been ascertained in the context of this evaluation (PMID: 33546218). ClinVar contains an entry for this variant (Variation ID: 1048157). Based on the evidence outlined above, the variant was classified as pathogenic.

Natera, Inc.
Classification: Pathogenic for Achromatopsia. Last evaluated: 2025-01-06. Review status: criteria provided, single submitter. Criteria: Natera Variant Classification Schema (03/2026). Collection method: clinical testing. Allele origin: germline.
Comment: The c.1167_1168insC variant in CNGB3 is a frameshift variant predicted to shift the reading frame beginning at codon 390 and leads to a stop codon 30 codons downstream. This variant is expected to result in nonsense mediated decay, truncation, or a dysfunctional protein product. This variant is rare in the general population with a frequency below the threshold expected for the associated phenotype(s). This variant has been observed in one or more individuals affected with the associated recessive disease, as either homozygous or compound heterozygous with a second variant (PMID: 33546218). Given the available evidence, this variant is classified as Pathogenic.

Fulgent Genetics
Classification: Pathogenic for Achromatopsia 3. Last evaluated: 2024-04-12. Review status: criteria provided, single submitter. Criteria: ACMG Guidelines, 2015. Collection method: clinical testing. Allele origin: germline.

Labcorp Genetics (formerly Invitae), Labcorp
Classification: Pathogenic. Last evaluated: 2023-10-17. Review status: criteria provided, single submitter. Criteria: Invitae Variant Classification Sherloc (09022015). Collection method: clinical testing. Allele origin: germline.
Comment: This sequence change creates a premature translational stop signal (p.Glu390Argfs*30) in the CNGB3 gene. It is expected to result in an absent or disrupted protein product. Loss-of-function variants in CNGB3 are known to be pathogenic (PMID: 28795510). This variant is not present in population databases (gnomAD no frequency). This premature translational stop signal has been observed in individual(s) with achromatopsia (PMID: 33546218). ClinVar contains an entry for this variant (Variation ID: 1048157). For these reasons, this variant has been classified as Pathogenic.

Institute of Medical Molecular Genetics, University of Zurich
Classification: Likely pathogenic for Achromatopsia 3. Last evaluated: 2021-01-30. Review status: criteria provided, single submitter. Criteria: ACMG Guidelines, 2015. Collection method: clinical testing. Allele origin: unknown. Affected: yes.

Literature cited by the submitters: PubMed 33546218 (cited by 3 submitters); PubMed 28795510 (cited by Labcorp Genetics (formerly Invitae), Labcorp).

NM_019098.5(CNGB3):c.1167_1168insC (p.Glu390fs)

Gene: CNGB3 (cyclic nucleotide gated channel subunit beta 3; minus strand). Cytogenetic location: 8q21.3.
Variant type: Insertion.
Coding change: c.1167_1168insC on transcript NM_019098.5 (MANE Select); coding-DNA positions 1167 to 1168, C inserted.
Protein change: p.Glu390fs; shifts the reading frame from glutamic acid 390.
Molecular consequence: frameshift variant.
Genome position: GRCh38 VCF-style: chr8-86643761-C-CG. GRCh37 (hg19) VCF-style: chr8-87655989-C-CG.
Other names: short protein forms E390fs.
Identifiers: ClinVar variation 1048157 (VCV001048157.8), dbSNP rs1389959147, ClinGen allele CA856344827.